The following is an entry in ClinVar:

ClinVar aggregate classification (germline): Uncertain significance (1 of 4 stars; one submission).

Allele frequency attached by ClinVar (database versions not stated): gnomAD exomes below 0.00001; TOPMed below 0.00001.
gnomAD v4.1: 4 of 1,614,142 alleles (0.00025%); highest among the groups gnomAD compares: Non-Finnish European, 0.00034%; no homozygotes.

Submission:

GeneDx
Classification: Uncertain significance. Last evaluated: 2022-11-28. Review status: criteria provided, single submitter. Criteria: GeneDx Variant Classification Process June 2021. Collection method: clinical testing. Allele origin: germline. Affected: yes.
Comment: Not observed at significant frequency in large population cohorts (gnomAD); In silico analysis supports that this missense variant does not alter protein structure/function; Has not been previously published as pathogenic or benign to our knowledge

NM_006766.5(KAT6A):c.1102A>G (p.Ile368Val)

Gene: KAT6A (lysine acetyltransferase 6A; minus strand). Cytogenetic location: 8p11.21.
Variant type: single nucleotide variant.
Coding change: c.1102A>G on transcript NM_006766.5 (MANE Select); coding-DNA position 1102, A replaced by G.
Protein change: p.Ile368Val; replaces isoleucine 368 with valine.
Molecular consequence: missense variant.
Genome position (GRCh38, 1-based): chr8:41,977,269, T>C on the plus strand (A>G on the coding strand, the complement: KAT6A is on the minus strand). VCF-style: chr8-41977269-T-C. GRCh37 (hg19) VCF-style: chr8-41834787-T-C.
Other names: c.1102A>G, p.Ile368Val (NM_001305878.2); short protein forms I368V.
Identifiers: ClinVar variation 2503131 (VCV002503131.1), dbSNP rs1824106525, ClinGen allele CA371076405.